The following is an entry in ClinVar:

NM_000059.4(BRCA2):c.2373del (p.Tyr792fs)

Gene: BRCA2 (BRCA2 DNA repair associated; plus strand). Cytogenetic location: 13q13.1.
Variant type: Deletion.
Coding change: c.2373del on transcript NM_000059.4 (MANE Select); coding-DNA position 2373, one base deleted (A; older notation c.2373delA).
Protein change: p.Tyr792fs; shifts the reading frame from tyrosine 792.
Molecular consequence: frameshift variant.
Genome position (GRCh38, 1-based): chr13:32,336,728, A deleted. VCF-style (leftmost placement, unchanged base first): chr13-32336727-CA-C. GRCh37 (hg19) VCF-style: chr13-32910864-CA-C.
Other names: c.2373delA, p.Tyr792Thrfs (NM_001406719.1, NM_001406720.1); short protein forms Y792fs.
Identifiers: ClinVar variation 2091578 (VCV002091578.4), dbSNP rs2548523737, ClinGen allele CA2580087265.

ClinVar aggregate classification (germline): Pathogenic (1 of 4 stars; one submission).

Conditions:
Hereditary breast ovarian cancer syndrome. Also called: Hereditary breast and ovarian cancer syndrome; Breast and ovarian cancer; BRCA1- and BRCA2-Associated Hereditary Breast and Ovarian Cancer; Hereditary breast and ovarian cancer syndrome (HBOC); Hereditary breast and ovarian cancer; Hereditary breast and/or ovarian cancer syndrome. Identifiers: Orphanet 145, MedGen C0677776, MeSH D061325, MONDO:0003582. Disease mechanism: loss of function.

Submission:

Labcorp Genetics (formerly Invitae), Labcorp
Classification: Pathogenic for Hereditary breast ovarian cancer syndrome. Last evaluated: 2023-03-02. Review status: criteria provided, single submitter. Criteria: Invitae Variant Classification Sherloc (09022015). Collection method: clinical testing. Allele origin: germline.
Comment: For these reasons, this variant has been classified as Pathogenic. ClinVar contains an entry for this variant (Variation ID: 2091578). This variant has not been reported in the literature in individuals affected with BRCA2-related conditions. This variant is not present in population databases (gnomAD no frequency). This sequence change creates a premature translational stop signal (p.Tyr792Thrfs*18) in the BRCA2 gene. It is expected to result in an absent or disrupted protein product. Loss-of-function variants in BRCA2 are known to be pathogenic (PMID: 20104584).

Literature cited by the submitters: PubMed 20104584.